The following is an entry in ClinVar:

ClinVar aggregate classification (germline): Uncertain significance (1 of 4 stars; one submission).

Submission:

Labcorp Genetics (formerly Invitae), Labcorp
Classification: Uncertain significance. Last evaluated: 2024-08-29. Review status: criteria provided, single submitter. Criteria: Invitae Variant Classification Sherloc (09022015). Collection method: clinical testing. Allele origin: germline.
Comment: This sequence change replaces histidine, which is basic and polar, with tyrosine, which is neutral and polar, at codon 1453 of the C3 protein (p.His1453Tyr). This variant is not present in population databases (gnomAD no frequency). This variant has not been reported in the literature in individuals affected with C3-related conditions. Invitae Evidence Modeling of protein sequence and biophysical properties (such as structural, functional, and spatial information, amino acid conservation, physicochemical variation, residue mobility, and thermodynamic stability) indicates that this missense variant is expected to disrupt C3 protein function with a positive predictive value of 80%. In summary, the available evidence is currently insufficient to determine the role of this variant in disease. Therefore, it has been classified as a Variant of Uncertain Significance.

NM_000064.4(C3):c.4357C>T (p.His1453Tyr)

Gene: C3 (complement C3; minus strand). Cytogenetic location: 19p13.3.
Variant type: single nucleotide variant.
Coding change: c.4357C>T on transcript NM_000064.4 (MANE Select); coding-DNA position 4357, C replaced by T.
Protein change: p.His1453Tyr; replaces histidine 1453 with tyrosine.
Molecular consequence: missense variant.
Genome position (GRCh38, 1-based): chr19:6,680,257, G>A on the plus strand (C>T on the coding strand, the complement: C3 is on the minus strand). VCF-style: chr19-6680257-G-A. GRCh37 (hg19) VCF-style: chr19-6680268-G-A.
Other names: short protein forms H1453Y.
Identifiers: ClinVar variation 3663868 (VCV003663868.2).